The following is an entry in ClinVar:

ClinVar aggregate classification (germline): Uncertain significance (1 of 4 stars; one submission).

Conditions:
DICER1-related tumor predisposition. Also called: DICER1 syndrome; DICER1-related pleuropulmonary blastoma cancer predisposition syndrome. Identifiers: Orphanet 284343, MedGen C3839822, MONDO:0100216.

Submission:

Labcorp Genetics (formerly Invitae), Labcorp
Classification: Uncertain significance for DICER1-related tumor predisposition. Last evaluated: 2023-03-14. Review status: criteria provided, single submitter. Criteria: Invitae Variant Classification Sherloc (09022015). Collection method: clinical testing. Allele origin: germline.
Comment: ClinVar contains an entry for this variant (Variation ID: 1715894). In summary, the available evidence is currently insufficient to determine the role of this variant in disease. Therefore, it has been classified as a Variant of Uncertain Significance. Advanced modeling of protein sequence and biophysical properties (such as structural, functional, and spatial information, amino acid conservation, physicochemical variation, residue mobility, and thermodynamic stability) has been performed at Invitae for this missense variant, however the output from this modeling did not meet the statistical confidence thresholds required to predict the impact of this variant on DICER1 protein function. This variant has not been reported in the literature in individuals affected with DICER1-related conditions. This variant is not present in population databases (gnomAD no frequency). This sequence change replaces serine, which is neutral and polar, with leucine, which is neutral and non-polar, at codon 1046 of the DICER1 protein (p.Ser1046Leu).

NM_177438.3(DICER1):c.3137C>T (p.Ser1046Leu)

Gene: DICER1 (dicer 1, ribonuclease III; minus strand). Cytogenetic location: 14q32.13.
Variant type: single nucleotide variant.
Coding change: c.3137C>T on transcript NM_177438.3 (MANE Select); coding-DNA position 3137, C replaced by T.
Protein change: p.Ser1046Leu; replaces serine 1046 with leucine.
Molecular consequence: missense variant. On other transcripts: non-coding transcript variant (6).
Genome position (GRCh38, 1-based): chr14:95,105,203, G>A on the plus strand (C>T on the coding strand, the complement: DICER1 is on the minus strand). VCF-style: chr14-95105203-G-A. GRCh37 (hg19) VCF-style: chr14-95571540-G-A.
Other names: c.3137C>T, p.Ser1046Leu (NM_001195573.1, NM_001271282.3, NM_001291628.2 and 13 more transcripts); c.2855C>T, p.Ser952Leu (NM_001395686.1); c.2732C>T, p.Ser911Leu (NM_001395687.1, NM_001395688.1, NM_001395689.1 and 2 more transcripts); c.2570C>T, p.Ser857Leu (NM_001395691.1); c.1454C>T, p.Ser485Leu (NM_001395697.1); short protein forms S1046L, S485L, S857L, S911L, S952L.
Identifiers: ClinVar variation 1715894 (VCV001715894.6), dbSNP rs2542756061, ClinGen allele CA390876807.